The following is an entry in ClinVar:

NM_016938.5(EFEMP2):c.1210C>A (p.Pro404Thr)

Genes: MUS81 (MUS81 structure-specific endonuclease subunit; plus strand), EFEMP2 (EGF-like fibulin extracellular matrix protein 2; minus strand). Cytogenetic location: 11q13.1.
Variant type: single nucleotide variant.
Coding change: c.1210C>A on transcript NM_016938.5 (MANE Select); coding-DNA position 1210, C replaced by A.
Protein change: p.Pro404Thr; replaces proline 404 with threonine.
Molecular consequence: missense variant. On other transcripts: non-coding transcript variant (1).
Genome position (GRCh38, 1-based): chr11:65,867,040, G>T on the plus strand (C>A on the coding strand, the complement: EFEMP2 is on the minus strand). VCF-style: chr11-65867040-G-T. GRCh37 (hg19) VCF-style: chr11-65634511-G-T.
Other names: short protein forms P404T.
Identifiers: ClinVar variation 2179765 (VCV002179765.4), dbSNP rs755411303, ClinGen allele CA381349498.

ClinVar aggregate classification (germline): Uncertain significance (1 of 4 stars; one submission).

Conditions:
Cutis laxa, autosomal recessive, type 1B (ARCL1B). Also called: EFEMP2-Related Cutis Laxa; CUTIS LAXA, AUTOSOMAL RECESSIVE, TYPE IB. Identifiers: Orphanet 90349, MedGen C3280798, MONDO:0013754, OMIM 614437. Disease mechanism: loss of function.

gnomAD v4.1: 1 of 1,614,196 alleles (0.000062%); highest among the groups gnomAD compares: Non-Finnish European, 0.000085%; no homozygotes.

Submission:

Labcorp Genetics (formerly Invitae), Labcorp
Classification: Uncertain significance for Cutis laxa, autosomal recessive, type 1B. Last evaluated: 2024-02-03. Review status: criteria provided, single submitter. Criteria: Invitae Variant Classification Sherloc (09022015). Collection method: clinical testing. Allele origin: germline.
Comment: This sequence change replaces proline, which is neutral and non-polar, with threonine, which is neutral and polar, at codon 404 of the EFEMP2 protein (p.Pro404Thr). This variant is not present in population databases (gnomAD no frequency). This variant has not been reported in the literature in individuals affected with EFEMP2-related conditions. ClinVar contains an entry for this variant (Variation ID: 2179765). Advanced modeling of protein sequence and biophysical properties (such as structural, functional, and spatial information, amino acid conservation, physicochemical variation, residue mobility, and thermodynamic stability) performed at Invitae indicates that this missense variant is not expected to disrupt EFEMP2 protein function with a negative predictive value of 80%. In summary, the available evidence is currently insufficient to determine the role of this variant in disease. Therefore, it has been classified as a Variant of Uncertain Significance.